The following is an entry in ClinVar:

NM_000080.3(CHRNE):c.-380T>A

Genes: C17orf107 (chromosome 17 open reading frame 107; plus strand), CHRNE (cholinergic receptor nicotinic epsilon subunit; minus strand), LOC130060043 (ATAC-STARR-seq lymphoblastoid active region 11552; plus strand). Cytogenetic location: 17p13.2.
Variant type: single nucleotide variant.
Coding change: c.-380T>A on transcript NM_000080.3; 380 bases upstream of the start codon, T replaced by A.
Genome position (GRCh38, 1-based): chr17:4,903,443, A>T on the plus strand (T>A on the coding strand, the complement: CHRNE is on the minus strand). VCF-style: chr17-4903443-A-T. GRCh37 (hg19) VCF-style: chr17-4806738-A-T.
Identifiers: ClinVar variation 668094 (VCV000668094.3), dbSNP rs35031588, ClinGen allele CA15891407.

ClinVar aggregate classification (germline): Benign (1 of 4 stars; one submission).

Allele frequency attached by ClinVar (database versions not stated): gnomAD 0.21396 and 0.21909; 1000 Genomes Project 0.22544; 1000 Genomes Project 30x 0.22814; TOPMed 0.22696.
gnomAD v4.1: 32,488 of 151,964 alleles (21%); highest among the groups gnomAD compares: African/African-American, 38%; 4,399 homozygotes.

Submission:

GeneDx
Classification: Benign. Last evaluated: 2018-06-19. Review status: criteria provided, single submitter. Criteria: GeneDx Variant Classification (06012015). Collection method: clinical testing. Allele origin: germline. Affected: yes.
Comment: This variant is considered likely benign or benign based on one or more of the following criteria: it is a conservative change, it occurs at a poorly conserved position in the protein, it is predicted to be benign by multiple in silico algorithms, and/or has population frequency not consistent with disease.